The following is an entry in ClinVar:

ClinVar aggregate classification (germline): Uncertain significance (1 of 4 stars; one submission).

Conditions:
Inborn genetic diseases. Identifiers: MedGen C0950123, MeSH D030342.

Submission:

Ambry Genetics
Classification: Uncertain significance for Inborn genetic diseases. Last evaluated: 2026-06-08. Review status: criteria provided, single submitter. Criteria: Ambry Variant Classification Scheme 2023. Collection method: clinical testing. Allele origin: germline.
Comment: The p.C543S variant (also known as c.1627T>A), located in coding exon 7 of the MBD4 gene, results from a T to A substitution at nucleotide position 1627. The cysteine at codon 543 is replaced by serine, an amino acid with dissimilar properties. This amino acid position is conserved. In addition, this alteration is predicted to be deleterious by in silico analysis. Based on the available evidence, the clinical significance of this variant remains unclear.

NM_001276270.2(MBD4):c.1627T>A (p.Cys543Ser)

Gene: MBD4 (methyl-CpG binding domain 4, DNA glycosylase; minus strand). Cytogenetic location: 3q21.3.
Variant type: single nucleotide variant.
Coding change: c.1627T>A on transcript NM_001276270.2 (MANE Select); coding-DNA position 1627, T replaced by A.
Protein change: p.Cys543Ser; replaces cysteine 543 with serine.
Molecular consequence: missense variant. On other transcripts: intron variant (1).
Genome position (GRCh38, 1-based): chr3:129,432,523, A>T on the plus strand (T>A on the coding strand, the complement: MBD4 is on the minus strand). VCF-style: chr3-129432523-A-T. GRCh37 (hg19) VCF-style: chr3-129151366-A-T.
Other names: c.1645T>A, p.Cys549Ser (NM_001276271.2, NM_003925.3); c.691T>A, p.Cys231Ser (NM_001276273.2); c.1612+33T>A (NM_001276272.2); short protein forms C231S, C543S, C549S.
Identifiers: ClinVar variation 4859623 (VCV004859623.1).